The following is an entry in ClinVar:

NM_014425.5(INVS):c.2539C>T (p.His847Tyr)

Gene: INVS (inversin; plus strand). Cytogenetic location: 9q31.1.
Variant type: single nucleotide variant.
Coding change: c.2539C>T on transcript NM_014425.5 (MANE Select); coding-DNA position 2539, C replaced by T.
Protein change: p.His847Tyr; replaces histidine 847 with tyrosine.
Molecular consequence: missense variant. On other transcripts: non-coding transcript variant (1).
Genome position (GRCh38, 1-based): chr9:100,292,796, C>T. VCF-style: chr9-100292796-C-T. GRCh37 (hg19) VCF-style: chr9-103055078-C-T.
Other names: c.2539C>T (NM_014425.4, NM_014425.2); c.2251C>T, p.His751Tyr (NM_001318381.2); c.1561C>T, p.His521Tyr (NM_001318382.2); short protein forms H521Y, H751Y, H847Y.
Identifiers: ClinVar variation 1020282 (VCV001020282.10), dbSNP rs1041470924, ClinGen allele CA196895928.

ClinVar aggregate classification (germline): Uncertain significance. Review status: criteria provided, multiple submitters, no conflicts (2 of 4 stars). 4 submissions from 4 submitters: Uncertain significance (4). Last evaluated 2025-11-17.

Conditions:
INVS-related disorder. Also called: INVS-related condition.
Nephronophthisis. Also called: Juvenile Nephronophthisis. Identifiers: Orphanet 655, MedGen C0687120, MONDO:0019005, HP:0000090.
Infantile nephronophthisis (NPHP2). Also called: Nephronophthisis 2; Nephronophthisis 2, infantile. Identifiers: Orphanet 655, Orphanet 93591, MedGen C1865872, MONDO:0011190, OMIM 602088.
Inborn genetic diseases. Identifiers: MedGen C0950123, MeSH D030342.

Allele frequency attached by ClinVar (database versions not stated): gnomAD 0.00001; gnomAD exomes 0.00001 and 0.00002; TOPMed 0.00002.
gnomAD v4.1: 5 of 1,614,046 alleles (0.00031%); highest among the groups gnomAD compares: Admixed American, 0.005%; no homozygotes.

Submissions (4):

Labcorp Genetics (formerly Invitae), Labcorp
Classification: Uncertain significance for Nephronophthisis. Last evaluated: 2025-11-17. Review status: criteria provided, single submitter. Criteria: Invitae Variant Classification Sherloc (09022015). Collection method: clinical testing. Allele origin: germline.
Comment: This sequence change replaces histidine, which is basic and polar, with tyrosine, which is neutral and polar, at codon 847 of the INVS protein (p.His847Tyr). This variant is present in population databases (no rsID available, gnomAD 0.007%). This variant has not been reported in the literature in individuals affected with INVS-related conditions. ClinVar contains an entry for this variant (Variation ID: 1020282). An algorithm developed to predict the effect of missense changes on protein structure and function (PolyPhen-2) suggests that this variant is likely to be tolerated. In summary, the available evidence is currently insufficient to determine the role of this variant in disease. Therefore, it has been classified as a Variant of Uncertain Significance.

PreventionGenetics, part of Exact Sciences
Classification: Uncertain significance for INVS-related condition. Last evaluated: 2025-09-12. Review status: criteria provided, single submitter. Criteria: ACMG Guidelines, 2015. Collection method: clinical testing. Allele origin: germline.
Comment: The INVS c.2539C>T variant is predicted to result in the amino acid substitution p.His847Tyr. To our knowledge, this variant has not been reported in the literature. This variant is reported in 0.0087% of alleles in individuals of Latino descent in gnomAD. At this time, the clinical significance of this variant is uncertain due to the absence of conclusive functional and genetic evidence.

Ambry Genetics
Classification: Uncertain significance for Inborn genetic diseases. Last evaluated: 2025-03-31. Review status: criteria provided, single submitter. Criteria: Ambry Variant Classification Scheme 2023. Collection method: clinical testing. Allele origin: germline.

Fulgent Genetics
Classification: Uncertain significance for Infantile nephronophthisis. Last evaluated: 2022-02-03. Review status: criteria provided, single submitter. Criteria: ACMG Guidelines, 2015. Collection method: clinical testing. Allele origin: unknown.